The following is an entry in ClinVar:

ClinVar aggregate classification (germline): Uncertain significance (1 of 4 stars; one submission).

Conditions:
Myoclonic epilepsy, juvenile, susceptibility to, 1. Also called: Myoclonic Epilepsy, Juvenile, 1; EJM1. Identifiers: MedGen C1850778, MONDO:0020752, OMIM 254770.
Absence seizure. Also called: Absence epilepsy. Identifiers: Orphanet 1941, MedGen C0014553.

Allele frequency attached by ClinVar (database versions not stated): TOPMed 0.00001.

Submission:

Labcorp Genetics (formerly Invitae), Labcorp
Classification: Uncertain significance for Myoclonic epilepsy, juvenile, susceptibility to, 1; Absence seizure. Last evaluated: 2024-10-15. Review status: criteria provided, single submitter. Criteria: Invitae Variant Classification Sherloc (09022015). Collection method: clinical testing. Allele origin: germline.
Comment: This sequence change replaces glycine, which is neutral and non-polar, with serine, which is neutral and polar, at codon 555 of the EFHC1 protein (p.Gly555Ser). This variant is not present in population databases (gnomAD no frequency). This variant has not been reported in the literature in individuals affected with EFHC1-related conditions. ClinVar contains an entry for this variant (Variation ID: 648955). Invitae Evidence Modeling of protein sequence and biophysical properties (such as structural, functional, and spatial information, amino acid conservation, physicochemical variation, residue mobility, and thermodynamic stability) indicates that this missense variant is not expected to disrupt EFHC1 protein function with a negative predictive value of 80%. In summary, the available evidence is currently insufficient to determine the role of this variant in disease. Therefore, it has been classified as a Variant of Uncertain Significance.

NM_018100.4(EFHC1):c.1663G>A (p.Gly555Ser)

Gene: EFHC1 (EF-hand domain containing 1; plus strand). Cytogenetic location: 6p12.2.
Variant type: single nucleotide variant.
Coding change: c.1663G>A on transcript NM_018100.4 (MANE Select); coding-DNA position 1663, G replaced by A.
Protein change: p.Gly555Ser; replaces glycine 555 with serine.
Molecular consequence: missense variant. On other transcripts: non-coding transcript variant (1).
Genome position (GRCh38, 1-based): chr6:52,490,162, G>A. VCF-style: chr6-52490162-G-A. GRCh37 (hg19) VCF-style: chr6-52354960-G-A.
Other names: c.1606G>A, p.Gly536Ser (NM_001172420.2); short protein forms G536S, G555S.
Identifiers: ClinVar variation 648955 (VCV000648955.10), dbSNP rs1581854254, ClinGen allele CA364458591.